The following is an entry in ClinVar:

NM_001022.4(RPS19):c.10G>T (p.Val4Phe)

Genes: RPS19 (ribosomal protein S19; plus strand), RPS19-CD79A (RPS19-CD79A readthrough; plus strand). Cytogenetic location: 19q13.2.
Variant type: single nucleotide variant.
Coding change: c.10G>T on transcript NM_001022.4 (MANE Select); coding-DNA position 10, G replaced by T.
Protein change: p.Val4Phe; replaces valine 4 with phenylalanine.
Molecular consequence: missense variant.
Genome position (GRCh38, 1-based): chr19:41,860,784, G>T. VCF-style: chr19-41860784-G-T. GRCh37 (hg19) VCF-style: chr19-42364854-G-T.
Other names: c.10G>T, p.Val4Phe (NM_001321483.2, NM_001321484.2, NM_001321485.2); short protein forms V4F.
Identifiers: ClinVar variation 953930 (VCV000953930.16), dbSNP rs782693679, ClinGen allele CA9465255.

ClinVar aggregate classification (germline): Uncertain significance. Review status: criteria provided, multiple submitters, no conflicts (2 of 4 stars). 2 submissions from 2 submitters: Uncertain significance (2). Last evaluated 2024-04-30.

Conditions:
Diamond-Blackfan anemia. Also called: Blackfan Diamond syndrome; Aregenerative anemia chronic congenital; Red cell aplasia, pure hereditary; Congenital hypoplastic anemia; Aase syndrome. Identifiers: Orphanet 124, MedGen C1260899, MeSH D029503, MONDO:0015253, HP:0004810.

Allele frequency attached by ClinVar (database versions not stated): gnomAD exomes 0.00001; ExAC 0.00003; gnomAD 0.00003 and 0.00004; TOPMed 0.00005.
gnomAD v4.1: 13 of 1,613,708 alleles (0.00081%); highest among the groups gnomAD compares: Non-Finnish European, 0.0011%; no homozygotes.

Submissions (2):

Labcorp Genetics (formerly Invitae), Labcorp
Classification: Uncertain significance for Diamond-Blackfan anemia. Last evaluated: 2024-04-30. Review status: criteria provided, single submitter. Criteria: Invitae Variant Classification Sherloc (09022015). Collection method: clinical testing. Allele origin: germline.
Comment: This sequence change replaces valine, which is neutral and non-polar, with phenylalanine, which is neutral and non-polar, at codon 4 of the RPS19 protein (p.Val4Phe). This variant is present in population databases (rs782693679, gnomAD 0.003%). This variant has not been reported in the literature in individuals affected with RPS19-related conditions. ClinVar contains an entry for this variant (Variation ID: 953930). An algorithm developed to predict the effect of missense changes on protein structure and function (PolyPhen-2) suggests that this variant is likely to be disruptive. In summary, the available evidence is currently insufficient to determine the role of this variant in disease. Therefore, it has been classified as a Variant of Uncertain Significance.

Blueprint Genetics
Classification: Uncertain significance. Last evaluated: 2022-03-09. Review status: criteria provided, single submitter. Criteria: ACMG Guidelines, 2015. Collection method: clinical testing. Allele origin: germline.